The following is an entry in ClinVar:

ClinVar aggregate classification (germline): Conflicting classifications of pathogenicity. Review status: criteria provided, conflicting classifications (1 of 4 stars). 2 submissions from 2 submitters: Uncertain significance (1); Likely benign (1). Last evaluated 2025-12-11.

Conditions:
Holoprosencephaly 11 (HPE11). Identifiers: Orphanet 2162, MedGen C3280215, MONDO:0013642, OMIM 614226.
Inborn genetic diseases. Identifiers: MedGen C0950123, MeSH D030342.

Allele frequency attached by ClinVar (database versions not stated): ExAC 0.00003; TOPMed 0.00005.
gnomAD v4.1: 32 of 1,614,020 alleles (0.002%); highest among the groups gnomAD compares: East Asian, 0.06%; no homozygotes.

Submissions (2):

Labcorp Genetics (formerly Invitae), Labcorp
Classification: Uncertain significance for Holoprosencephaly 11. Last evaluated: 2025-12-11. Review status: criteria provided, single submitter. Criteria: Invitae Variant Classification Sherloc (09022015). Collection method: clinical testing. Allele origin: germline.
Comment: This sequence change replaces valine, which is neutral and non-polar, with methionine, which is neutral and non-polar, at codon 952 of the CDON protein (p.Val952Met). This variant is present in population databases (rs756455658, gnomAD 0.06%). This variant has not been reported in the literature in individuals affected with CDON-related conditions. ClinVar contains an entry for this variant (Variation ID: 3141684). Invitae Evidence Modeling of protein sequence and biophysical properties (such as structural, functional, and spatial information, amino acid conservation, physicochemical variation, residue mobility, and thermodynamic stability) indicates that this missense variant is not expected to disrupt CDON protein function with a negative predictive value of 80%. In summary, the available evidence is currently insufficient to determine the role of this variant in disease. Therefore, it has been classified as a Variant of Uncertain Significance.

Ambry Genetics
Classification: Likely benign for Inborn genetic diseases. Last evaluated: 2023-09-23. Review status: criteria provided, single submitter. Criteria: Ambry Variant Classification Scheme 2023. Collection method: clinical testing. Allele origin: germline.

NM_001378964.1(CDON):c.2854G>A (p.Val952Met)

Gene: CDON (cell adhesion associated, oncogene regulated; minus strand). Cytogenetic location: 11q24.2.
Variant type: single nucleotide variant.
Coding change: c.2854G>A on transcript NM_001378964.1 (MANE Select); coding-DNA position 2854, G replaced by A.
Protein change: p.Val952Met; replaces valine 952 with methionine.
Molecular consequence: missense variant.
Genome position (GRCh38, 1-based): chr11:125,984,013, C>T on the plus strand (G>A on the coding strand, the complement: CDON is on the minus strand). VCF-style: chr11-125984013-C-T. GRCh37 (hg19) VCF-style: chr11-125853908-C-T.
Other names: c.2854G>A, p.Val952Met (NM_001243597.3, NM_016952.6); short protein forms V952M.
Identifiers: ClinVar variation 3141684 (VCV003141684.2), dbSNP rs756455658, ClinGen allele CA6351592.